The following is an entry in ClinVar:

ClinVar aggregate classification (germline): Uncertain significance (1 of 4 stars; one submission).

Conditions:
Norman-Roberts syndrome (LIS2). Also called: Lissencephaly 2 (Norman-Roberts type). Identifiers: Orphanet 89844, MedGen C0796089, MONDO:0009760, OMIM 257320.
Familial temporal lobe epilepsy 7. Identifiers: Orphanet 101046, MedGen C4225327, MONDO:0014639, OMIM 616436.

Submission:

Labcorp Genetics (formerly Invitae), Labcorp
Classification: Uncertain significance for Familial temporal lobe epilepsy 7; Norman-Roberts syndrome. Last evaluated: 2023-09-14. Review status: criteria provided, single submitter. Criteria: Invitae Variant Classification Sherloc (09022015). Collection method: clinical testing. Allele origin: germline.
Comment: This variant has not been reported in the literature in individuals affected with RELN-related conditions. This sequence change disrupts the translational stop signal of the RELN mRNA. It is expected to extend the length of the RELN protein by 56 additional amino acid residues. This variant is not present in population databases (gnomAD no frequency). Experimental studies and prediction algorithms are not available or were not evaluated, and the functional significance of this variant is currently unknown. In summary, the available evidence is currently insufficient to determine the role of this variant in disease. Therefore, it has been classified as a Variant of Uncertain Significance.

NM_005045.4(RELN):c.10381T>C (p.Ter3461Arg)

Genes: SLC26A5-AS1 (SLC26A5 antisense RNA 1; plus strand), RELN (reelin; minus strand). Cytogenetic location: 7q22.1.
Variant type: single nucleotide variant.
Coding change: c.10381T>C on transcript NM_005045.4 (MANE Select); coding-DNA position 10381, T replaced by C.
Protein change: p.Ter3461Arg.
Molecular consequence: stop lost.
Genome position (GRCh38, 1-based): chr7:103,472,814, A>G on the plus strand (T>C on the coding strand, the complement: RELN is on the minus strand). VCF-style: chr7-103472814-A-G. GRCh37 (hg19) VCF-style: chr7-103113261-A-G.
Other names: c.10375T>C, p.Ter3459Arg (NM_173054.3).
Identifiers: ClinVar variation 2924803 (VCV002924803.3), dbSNP rs2485653706, ClinGen allele CA368755377.
Genomic context (GRCh38, chr7:103,472,814, plus strand): 5'-AAAGAATGGAGAGCAACACATCACATGTTGGAAGAAAAAAAATAAACTTTTTGATTCTTC[A>G]TGGGTATCGCCTAAGTGACCTTCGTCTTCTGTTGTAGAAATGTCTGAGCCCATGTTGTCG-3'